The following is an entry in ClinVar:

NM_002769.5(PRSS1):c.1A>G (p.Met1Val)

Genes: PRSS1 (serine protease 1; plus strand), TRB (T cell receptor beta locus; plus strand). Cytogenetic location: 7q34.
Variant type: single nucleotide variant.
Coding change: c.1A>G on transcript NM_002769.5 (MANE Select); coding-DNA position 1, A replaced by G.
Protein change: p.Met1Val; changes the start codon (methionine 1).
Molecular consequence: missense variant, initiator codon variant. On other transcripts: non-coding transcript variant (5).
Genome position (GRCh38, 1-based): chr7:142,749,485, A>G. VCF-style: chr7-142749485-A-G. GRCh37 (hg19) VCF-style: chr7-142457336-A-G.
Other names: short protein forms M1V.
Identifiers: ClinVar variation 2581637 (VCV002581637.1), dbSNP rs1798496896, ClinGen allele CA369606935.

ClinVar aggregate classification (germline): Uncertain significance (1 of 4 stars; one submission).

Allele frequency attached by ClinVar (database versions not stated): gnomAD exomes below 0.00001.

Submission:

Women's Health and Genetics/Laboratory Corporation of America, LabCorp
Classification: Uncertain significance. Last evaluated: 2023-08-10. Review status: criteria provided, single submitter. Criteria: LabCorp Variant Classification Summary - May 2015. Collection method: clinical testing. Allele origin: germline.
Comment: Variant summary: PRSS1 c.1A>G (p.Met1Val) alters the initiation codon and is predicted to result either in absence of the protein or truncation of the encoded protein due to translation initiation at a downstream codon, however the molecular mechanism of disease attributed to PRSS1 is gain-of-function. An alternative downstream in-frame start codon (Met109) is located in the encoded protein. An activation of potential downstream translation initiation site would result in a shortened protein missing the first 108 amino acids from the protein sequence. Three of four in-silico tools predict a damaging effect of the variant on protein function. The variant was absent in 251492 control chromosomes (gnomAD). The available data on variant occurrences in the general population are insufficient to allow any conclusion about variant significance. To our knowledge, no occurrence of c.1A>G in individuals affected with Chronic Pancreatitis Risk and no experimental evidence demonstrating its impact on protein function have been reported. No submitters have cited clinical-significance assessments for this variant to ClinVar after 2014. Based on the evidence outlined above, the variant was classified as uncertain significance.